The following is an entry in ClinVar:

NM_024675.4(PALB2):c.328G>C (p.Gly110Arg)

Gene: PALB2 (partner and localizer of BRCA2; minus strand). Cytogenetic location: 16p12.2.
Variant type: single nucleotide variant.
Coding change: c.328G>C on transcript NM_024675.4 (MANE Select); coding-DNA position 328, G replaced by C.
Protein change: p.Gly110Arg; replaces glycine 110 with arginine.
Molecular consequence: missense variant.
Genome position (GRCh38, 1-based): chr16:23,636,218, C>G on the plus strand (G>C on the coding strand, the complement: PALB2 is on the minus strand). VCF-style: chr16-23636218-C-G. GRCh37 (hg19) VCF-style: chr16-23647539-C-G.
Other names: c.268G>C, p.Gly90Arg (NM_001407296.1); c.328G>C, p.Gly110Arg (NM_001407297.1, NM_001407298.1, NM_001407299.1 and 3 more transcripts); c.-558G>C (NM_001407304.1, NM_001407305.1, NM_001407306.1 and 5 more transcripts); short protein forms G110R, G90R.
Identifiers: ClinVar variation 1992718 (VCV001992718.4), dbSNP rs2142445918, ClinGen allele CA395137822.

ClinVar aggregate classification (germline): Uncertain significance (1 of 4 stars; one submission).

Conditions:
Familial cancer of breast. Also called: hereditary breast carcinoma; Hereditary breast cancer; BREAST CANCER, FAMILIAL. Identifiers: Orphanet 227535, MedGen C0346153, MONDO:0016419, OMIM 114480. Disease mechanism: loss of function.

Submission:

Labcorp Genetics (formerly Invitae), Labcorp
Classification: Uncertain significance for Familial cancer of breast. Last evaluated: 2022-05-10. Review status: criteria provided, single submitter. Criteria: Invitae Variant Classification Sherloc (09022015). Collection method: clinical testing. Allele origin: germline.
Comment: In summary, the available evidence is currently insufficient to determine the role of this variant in disease. Therefore, it has been classified as a Variant of Uncertain Significance. Algorithms developed to predict the effect of missense changes on protein structure and function output the following: SIFT: "Tolerated"; PolyPhen-2: "Benign"; Align-GVGD: "Class C0". The arginine amino acid residue is found in multiple mammalian species, which suggests that this missense change does not adversely affect protein function. This variant has not been reported in the literature in individuals affected with PALB2-related conditions. This variant is not present in population databases (gnomAD no frequency). This sequence change replaces glycine, which is neutral and non-polar, with arginine, which is basic and polar, at codon 110 of the PALB2 protein (p.Gly110Arg).